The following is an entry in ClinVar:

NM_006031.6(PCNT):c.6021G>A (p.Thr2007=)

Gene: PCNT (pericentrin; plus strand). Cytogenetic location: 21q22.3.
Variant type: single nucleotide variant.
Coding change: c.6021G>A on transcript NM_006031.6 (MANE Select); coding-DNA position 6021, G replaced by A.
Protein change: p.Thr2007=; no amino-acid change (threonine 2007 retained).
Molecular consequence: synonymous variant.
Genome position (GRCh38, 1-based): chr21:46,412,863, G>A. VCF-style: chr21-46412863-G-A. GRCh37 (hg19) VCF-style: chr21-47832777-G-A.
Other names: c.6021G>A (NM_006031.5); c.5667G>A, p.Thr1889= (NM_001315529.2).
Identifiers: ClinVar variation 2137533 (VCV002137533.6), dbSNP rs138202982, ClinGen allele CA10080176.

ClinVar aggregate classification (germline): Likely benign. Review status: criteria provided, single submitter (1 of 4 stars). 2 submissions from 2 submitters: Likely benign (1). 1 of the submissions does not count toward it. Last evaluated 2025-12-14.

Conditions:
PCNT-related disorder. Also called: PCNT-related condition.

Allele frequency attached by ClinVar (database versions not stated): ExAC 0.00003; gnomAD exomes 0.00004; gnomAD 0.00007; TOPMed 0.00007; ESP Exome Variant Server 0.00015; 1000 Genomes Project 30x 0.00031; 1000 Genomes Project 0.00040.

Submissions (2):

Labcorp Genetics (formerly Invitae), Labcorp
Classification: Likely benign. Last evaluated: 2025-12-14. Review status: criteria provided, single submitter. Criteria: Invitae Variant Classification Sherloc (09022015). Collection method: clinical testing. Allele origin: germline.

PreventionGenetics, part of Exact Sciences
Classification: Likely benign for PCNT-related condition. Last evaluated: 2021-12-02. Review status: no assertion criteria provided. Collection method: clinical testing. Allele origin: germline. Not counted in ClinVar's aggregate classification.
Comment: This variant is classified as likely benign based on ACMG/AMP sequence variant interpretation guidelines (Richards et al. 2015 PMID: 25741868, with internal and published modifications).